The following is an entry in ClinVar:

ClinVar aggregate classification (germline): Benign (1 of 4 stars; one submission).

Conditions:
Fraser syndrome 1 (FRASRS1). Also called: CRYPTOPHTHALMOS WITH OTHER MALFORMATIONS. Identifiers: Orphanet 2052, MedGen C4551480, MONDO:0054737, OMIM 219000.

Allele frequency attached by ClinVar (database versions not stated): TOPMed 0.00710; 1000 Genomes Project 30x 0.00718; 1000 Genomes Project 0.00739; gnomAD 0.00967 and 0.01027.

Submission:

Illumina Laboratory Services, Illumina
Classification: Benign for Fraser syndrome 1. Last evaluated: 2018-01-13. Review status: criteria provided, single submitter. Criteria: ICSL Variant Classification Criteria 13 December 2019. Collection method: clinical testing. Allele origin: germline.
Comment: This variant was observed in the ICSL laboratory as part of a predisposition screen in an ostensibly healthy population. It had not been previously curated by ICSL or reported in the Human Gene Mutation Database (HGMD: prior to June 1st, 2018), and was therefore a candidate for classification through an automated scoring system. Utilizing variant allele frequency, disease prevalence and penetrance estimates, and inheritance mode, an automated score was calculated to assess if this variant is too frequent to cause the disease. Based on the score and internal cut-off values, a variant classified as benign is not then subjected to further curation. The score for this variant resulted in a classification of benign for this disease.

NM_025074.7(FRAS1):c.*2811T>A

Gene: FRAS1 (Fraser extracellular matrix complex subunit 1; plus strand). Cytogenetic location: 4q21.21.
Variant type: single nucleotide variant.
Coding change: c.*2811T>A on transcript NM_025074.7 (MANE Select); 2811 bases downstream of the stop codon, T replaced by A.
Molecular consequence: 3 prime UTR variant.
Genome position (GRCh38, 1-based): chr4:78,543,935, T>A. VCF-style: chr4-78543935-T-A. GRCh37 (hg19) VCF-style: chr4-79465089-T-A.
Identifiers: ClinVar variation 349865 (VCV000349865.5), dbSNP rs114574352, ClinGen allele CA10618467.